The following is an entry in ClinVar:

NM_000138.5(FBN1):c.2063_2064del (p.Thr688fs)

Gene: FBN1 (fibrillin 1; minus strand). Cytogenetic location: 15q21.1.
Variant type: Deletion.
Coding change: c.2063_2064del on transcript NM_000138.5 (MANE Select); coding-DNA positions 2063 to 2064, 2 bases deleted (CT; older notation c.2063_2064delCT).
Protein change: p.Thr688fs; shifts the reading frame from threonine 688.
Molecular consequence: frameshift variant.
Genome position (GRCh38, 1-based): chr15:48,503,836-48,503,837, AG deleted on the plus strand (CT on the coding strand, the reverse complement: FBN1 is on the minus strand). VCF-style (leftmost placement, unchanged base first): chr15-48503835-CAG-C. GRCh37 (hg19) VCF-style: chr15-48796032-CAG-C.
Other names: c.2063_2064del, p.Thr688fs (NM_001406716.1); short protein forms T688fs.
Identifiers: ClinVar variation 2922445 (VCV002922445.3), dbSNP rs2505590965, ClinGen allele CA2740096671.
Genomic context (GRCh38, chr15:48,503,835, plus strand): 5'-GATACCACATACCTGAATTCTGTGCAGGACACGGCTGGCAAGGTTCCCCAAATGCATACT[CAG>C]TGCTGGCGCAACAGCATTCAGATTTAGTGACAGCACCAAACAAAGGTTTGATACACTGGC-3'

ClinVar aggregate classification (germline): Pathogenic (1 of 4 stars; one submission).

Conditions:
Marfan syndrome (MFS). Also called: MARFAN SYNDROME, TYPE I; Marfan syndrome type 1; Marfan's syndrome; Marfan syndrome, classic; FBN1-Related Marfan Syndrome. Identifiers: Orphanet 284963, Orphanet 558, MedGen C0024796, MONDO:0007947, OMIM 154700.
Familial thoracic aortic aneurysm and aortic dissection (TAAD). Also called: Thoracic aortic aneurysms and dissections. Identifiers: Orphanet 91387, MedGen C4707243, MONDO:0019625.

Submission:

Labcorp Genetics (formerly Invitae), Labcorp
Classification: Pathogenic for Marfan syndrome; Familial thoracic aortic aneurysm and aortic dissection. Last evaluated: 2024-01-25. Review status: criteria provided, single submitter. Criteria: Invitae Variant Classification Sherloc (09022015). Collection method: clinical testing. Allele origin: germline.
Comment: This sequence change creates a premature translational stop signal (p.Thr688Argfs*35) in the FBN1 gene. It is expected to result in an absent or disrupted protein product. Loss-of-function variants in FBN1 are known to be pathogenic (PMID: 17657824, 19293843). This variant is not present in population databases (gnomAD no frequency). This variant has not been reported in the literature in individuals affected with FBN1-related conditions. Algorithms developed to predict the effect of sequence changes on RNA splicing suggest that this variant may disrupt the consensus splice site. For these reasons, this variant has been classified as Pathogenic.

Literature cited by the submitters: PubMed 17657824; PubMed 19293843.